The following is an entry in ClinVar:

NM_058216.3(RAD51C):c.432dup (p.Pro145fs)

Gene: RAD51C (RAD51 paralog C; plus strand). Cytogenetic location: 17q22.
Variant type: Duplication.
Coding change: c.432dup on transcript NM_058216.3 (MANE Select); coding-DNA position 432, one base duplicated (A; older notation c.432dupA).
Protein change: p.Pro145fs; shifts the reading frame from proline 145.
Molecular consequence: frameshift variant.
Genome position (GRCh38, 1-based): chr17:58,696,720, A duplicated. VCF-style (leftmost placement, unchanged base first): chr17-58696719-T-TA. GRCh37 (hg19) VCF-style: chr17-56774080-T-TA.
Other names: c.432dup (LRG_314t1); c.432dupA (NM_058216.1); short protein forms P145fs.
Identifiers: ClinVar variation 480948 (VCV000480948.8), dbSNP rs1555594590, ClinGen allele CA658658640.
Genomic context (GRCh38, chr17:58,696,719, plus strand): 5'-ATGATTTGGTTGTTTGTCATCTTTCTGTTGACAGTATGCAGTTGGCAGTAGATGTGCAGA[T>TA]ACCAGAATGTTTTGGAGGAGTGGCAGGTGAAGCAGTTTTTATTGATACAGAGGGAAGTTT-3'

ClinVar aggregate classification (germline): Pathogenic/Likely pathogenic. Review status: criteria provided, multiple submitters, no conflicts (2 of 4 stars). 4 submissions from 4 submitters: Pathogenic (3); Likely pathogenic (1). Last evaluated 2024-12-30.

Conditions:
Hereditary cancer-predisposing syndrome. Also called: Hereditary neoplastic syndrome; Neoplastic Syndromes, Hereditary; Tumor predisposition; Hereditary Cancer Syndrome. Identifiers: Orphanet 140162, MedGen C0027672, MeSH D009386, MONDO:0015356.
Breast-ovarian cancer, familial, susceptibility to, 3. Also called: RAD51C-Related Breast/Ovarian Cancer. Identifiers: Orphanet 145, MedGen C3150659, MONDO:0013253, OMIM 613399.
Fanconi anemia complementation group O. Also called: RAD51C-Related Fanconi Anemia. Identifiers: Orphanet 84, MedGen C3150653, MONDO:0013248, OMIM 613390.

Allele frequency attached by ClinVar (database versions not stated): TOPMed below 0.00001.

Submissions (4):

Department of Pathology and Laboratory Medicine, Sinai Health System
Classification: Likely pathogenic for Fanconi anemia complementation group O. Last evaluated: 2024-12-30. Review status: criteria provided, single submitter. Criteria: ACMG Guidelines, 2015. Collection method: clinical testing. Allele origin: germline.

Myriad Genetics, Inc.
Classification: Pathogenic for Breast-ovarian cancer, familial, susceptibility to, 3. Last evaluated: 2024-01-02. Review status: criteria provided, single submitter. Criteria: Myriad Autosomal Dominant, Autosomal Recessive and X-Linked Classification Criteria (2023). Collection method: clinical testing. Allele origin: unknown.
Comment: This variant is considered pathogenic. This variant creates a frameshift predicted to result in premature protein truncation.

Ambry Genetics
Classification: Pathogenic for Hereditary cancer-predisposing syndrome. Last evaluated: 2023-10-17. Review status: criteria provided, single submitter. Criteria: Ambry Variant Classification Scheme 2023. Collection method: clinical testing. Allele origin: germline.
Comment: The c.432dupA pathogenic mutation, located in coding exon 3 of the RAD51C gene, results from a duplication of A at nucleotide position 432, causing a translational frameshift with a predicted alternate stop codon (p.P145Tfs*10). This alteration is expected to result in loss of function by premature protein truncation or nonsense-mediated mRNA decay. As such, this alteration is interpreted as a disease-causing mutation.

Color Diagnostics, LLC DBA Color Health
Classification: Pathogenic for Hereditary cancer-predisposing syndrome. Last evaluated: 2021-04-22. Review status: criteria provided, single submitter. Criteria: ACMG Guidelines, 2015. Collection method: clinical testing. Allele origin: germline.
Comment: This variant inserts 1 nucleotide in exon 3 of the RAD51C gene, creating a frameshift and premature translation stop signal. This variant is expected to result in an absent or non-functional protein product. To our knowledge, this variant has not been reported in individuals affected with hereditary cancer in the literature. This variant has not been identified in the general population by the Genome Aggregation Database (gnomAD). Loss of RAD51C function is a known mechanism of disease. Based on the available evidence, this variant is classified as Pathogenic.